The following is an entry in ClinVar:

ClinVar aggregate classification (germline): Likely pathogenic. Review status: criteria provided, multiple submitters, no conflicts (2 of 4 stars). 2 submissions from 2 submitters: Likely pathogenic (2). Last evaluated 2019-09-25.

Conditions:
SH3PXD2B-related disorder. Also called: SH3PXD2B-related condition.

Submissions (2):

GeneDx
Classification: Likely pathogenic. Last evaluated: 2019-09-25. Review status: criteria provided, single submitter. Criteria: GeneDx Variant Classification Process June 2021. Collection method: clinical testing. Allele origin: germline. Affected: yes.
Comment: Frameshift variant predicted to result in protein truncation or nonsense mediated decay in a gene for which loss-of-function is a known mechanism of disease; No data available from control populations to assess the frequency of this variant; Has not been previously published as pathogenic or benign to our knowledge; This variant is associated with the following publications: (PMID: 29100834)

Blueprint Genetics
Classification: Likely pathogenic for SH3PXD2B-related disorders. Last evaluated: 2019-01-28. Review status: criteria provided, single submitter. Criteria: ACMG Guidelines, 2015. Collection method: clinical testing. Allele origin: germline. Affected: yes. Observed: 1 variant allele.

NM_001017995.3(SH3PXD2B):c.396dup (p.Lys133fs)

Gene: SH3PXD2B (SH3 and PX domains 2B; minus strand). Cytogenetic location: 5q35.1.
Variant type: Duplication.
Coding change: c.396dup on transcript NM_001017995.3 (MANE Select); coding-DNA position 396, one base duplicated (C; older notation c.396dupC).
Protein change: p.Lys133fs; shifts the reading frame from lysine 133.
Molecular consequence: frameshift variant.
Genome position (GRCh38, 1-based): chr5:172,382,041, G duplicated on the plus strand (C on the coding strand, the reverse complement: SH3PXD2B is on the minus strand); the first of 6 consecutive G bases (chr5:172,382,041-172,382,046); duplicating any one gives the same sequence. VCF-style (leftmost placement, unchanged base first): chr5-172382040-T-TG. GRCh37 (hg19) VCF-style: chr5-171809044-T-TG.
Other names: c.396dup, p.Lys133fs (NM_001308175.2); short protein forms K133fs.
Identifiers: ClinVar variation 1678826 (VCV001678826.3), dbSNP rs765784096, ClinGen allele CA3561582.